The following is an entry in ClinVar:

NM_018341.3(ERMARD):c.562G>A (p.Val188Ile)

Gene: ERMARD (ER membrane associated RNA degradation; plus strand). Cytogenetic location: 6q27.
Variant type: single nucleotide variant.
Coding change: c.562G>A on transcript NM_018341.3 (MANE Select); coding-DNA position 562, G replaced by A.
Protein change: p.Val188Ile; replaces valine 188 with isoleucine.
Molecular consequence: missense variant.
Genome position (GRCh38, 1-based): chr6:169,759,022, G>A. VCF-style: chr6-169759022-G-A. GRCh37 (hg19) VCF-style: chr6-170159118-G-A.
Other names: c.562G>A, p.Val188Ile (NM_001278531.2, NM_001278533.2); c.184G>A, p.Val62Ile (NM_001278532.2); short protein forms V188I, V62I.
Identifiers: ClinVar variation 1385235 (VCV001385235.8), dbSNP rs760283844, ClinGen allele CA4105895.

ClinVar aggregate classification (germline): Uncertain significance (1 of 4 stars; one submission).

Allele frequency attached by ClinVar (database versions not stated): ExAC 0.00002; gnomAD exomes 0.00002 and 0.00005; gnomAD 0.00004; TOPMed 0.00006.
gnomAD v4.1: 35 of 1,613,886 alleles (0.0022%); highest among the groups gnomAD compares: East Asian, 0.051%; no homozygotes.

Submission:

Labcorp Genetics (formerly Invitae), Labcorp
Classification: Uncertain significance. Last evaluated: 2021-07-26. Review status: criteria provided, single submitter. Criteria: Invitae Variant Classification Sherloc (09022015). Collection method: clinical testing. Allele origin: germline.
Comment: In summary, the available evidence is currently insufficient to determine the role of this variant in disease. Therefore, it has been classified as a Variant of Uncertain Significance. Algorithms developed to predict the effect of missense changes on protein structure and function output the following: SIFT: "Tolerated"; PolyPhen-2: "Benign"; Align-GVGD: "Class C0". The isoleucine amino acid residue is found in multiple mammalian species, which suggests that this missense change does not adversely affect protein function. This variant has not been reported in the literature in individuals affected with ERMARD-related conditions. This variant is present in population databases (rs760283844, ExAC 0.03%). This sequence change replaces valine with isoleucine at codon 188 of the ERMARD protein (p.Val188Ile). The valine residue is weakly conserved and there is a small physicochemical difference between valine and isoleucine.